The following is an entry in ClinVar:

ClinVar aggregate classification (germline): Likely benign (1 of 4 stars; one submission).

Submission:

GeneDx
Classification: Likely benign. Last evaluated: 2021-12-21. Review status: criteria provided, single submitter. Criteria: GeneDx Variant Classification Process June 2021. Collection method: clinical testing. Allele origin: germline. Affected: yes.
Comment: See Variant Classification Assertion Criteria.

NM_006351.4(TIMM44):c.313-25_313-23del

Gene: TIMM44 (translocase of inner mitochondrial membrane 44; minus strand). Cytogenetic location: 19p13.2.
Variant type: Deletion.
Coding change: c.313-25_313-23del on transcript NM_006351.4 (MANE Select); 25 bases into the intron before coding-DNA position 313 through 23 bases into the intron before coding-DNA position 313, 3 bases deleted (AAA; older notation c.313-25_313-23delAAA).
Molecular consequence: intron variant.
Genome position (GRCh38, 1-based): chr19:7,935,168-7,935,170, TTT deleted on the plus strand (AAA on the coding strand, the reverse complement: TIMM44 is on the minus strand); deleting any 3 consecutive bases within chr19:7,935,168-7,935,187 gives the same sequence; the c. name uses the placement nearest the transcript's 3' end. VCF-style (leftmost placement, unchanged base first): chr19-7935167-CTTT-C. GRCh37 (hg19) VCF-style: chr19-8000052-CTTT-C.
Identifiers: ClinVar variation 1693048 (VCV001693048.2), dbSNP rs753419157, ClinGen allele CA505243334.